The following is an entry in ClinVar:

ClinVar aggregate classification (germline): Benign. Review status: criteria provided, multiple submitters, no conflicts (2 of 4 stars). 3 submissions from 3 submitters: Benign (2). 1 of the submissions does not count toward it. Last evaluated 2018-08-14.

Conditions:
MUC16-related disorder. Also called: MUC16-related condition.

Allele frequency attached by ClinVar (database versions not stated): gnomAD 0.01750 and 0.01645; ESP Exome Variant Server 0.01799; gnomAD exomes 0.00437 and 0.00192; ExAC 0.00529; 1000 Genomes Project 0.01837; 1000 Genomes Project 30x 0.01889; TOPMed 0.01840.

Submissions (3):

Labcorp Genetics (formerly Invitae), Labcorp
Classification: Benign. Last evaluated: 2018-08-14. Review status: criteria provided, single submitter. Criteria: Invitae Variant Classification Sherloc (09022015). Collection method: clinical testing. Allele origin: germline.

Breakthrough Genomics
Classification: Benign. Review status: criteria provided, single submitter. Criteria: ACMG Guidelines, 2015. Collection method: not provided. Allele origin: germline. Inheritance: Unknown mechanism. Affected: yes.

PreventionGenetics, part of Exact Sciences
Classification: Benign for MUC16-related condition. Last evaluated: 2019-03-25. Review status: no assertion criteria provided. Collection method: clinical testing. Allele origin: germline. Not counted in ClinVar's aggregate classification.
Comment: This variant is classified as benign based on ACMG/AMP sequence variant interpretation guidelines (Richards et al. 2015 PMID: 25741868, with internal and published modifications).

NM_001401501.2(MUC16):c.35854C>A (p.Pro11952Thr)

Gene: MUC16 (mucin 16, cell surface associated; minus strand). Cytogenetic location: 19p13.2.
Variant type: single nucleotide variant.
Coding change: c.35854C>A on transcript NM_001401501.2 (MANE Select); coding-DNA position 35854, C replaced by A.
Protein change: p.Pro11952Thr; replaces proline 11952 with threonine.
Molecular consequence: missense variant.
Genome position (GRCh38, 1-based): chr19:8,935,221, G>T on the plus strand (C>A on the coding strand, the complement: MUC16 is on the minus strand). VCF-style: chr19-8935221-G-T. GRCh37 (hg19) VCF-style: chr19-9045897-G-T.
Other names: c.36280C>A, p.Pro12094Thr (NM_001414686.1); c.35734C>A, p.Pro11912Thr (NM_001414687.1, NM_024690.2); short protein forms P11912T, P11952T, P12094T.
Identifiers: ClinVar variation 781384 (VCV000781384.6), dbSNP rs61741223, ClinGen allele CA9165977.
Genomic context (GRCh38, chr19:8,935,221, plus strand): 5'-GGGGTCCAACTGAAGTTACAGATGGTGAGGTTTCTGTGTTCCAGGAGGTCACAGTTTGGG[G>T]CTTATCAGTTGTTATAGAGGCACTGGAAAGCCCAGAGACAGCAGGGGAAACAGTCAGAGT-3'
Protein context (NP_001388430.1, residues 11942-11962): LSSASITTDK[Pro11952Thr]QTVTSWNTET